The following is an entry in ClinVar:

NM_004170.6(SLC1A1):c.195C>G (p.Leu65=)

Gene: SLC1A1 (solute carrier family 1 member 1; plus strand). Cytogenetic location: 9p24.2.
Variant type: single nucleotide variant.
Coding change: c.195C>G on transcript NM_004170.6 (MANE Select); coding-DNA position 195, C replaced by G.
Protein change: p.Leu65=; no amino-acid change (leucine 65 retained).
Molecular consequence: synonymous variant.
Genome position (GRCh38, 1-based): chr9:4,544,670, C>G. VCF-style: chr9-4544670-C-G. GRCh37 (hg19) VCF-style: chr9-4544670-C-G.
Identifiers: ClinVar variation 790061 (VCV000790061.10), dbSNP rs114623304, ClinGen allele CA4968863.

ClinVar aggregate classification (germline): Benign/Likely benign. Review status: criteria provided, multiple submitters, no conflicts (2 of 4 stars). 4 submissions from 4 submitters: Benign (3); Likely benign (1). Last evaluated 2026-05-01.

Conditions:
Dicarboxylic aminoaciduria (DCBXA). Also called: GLUTAMATE-ASPARTATE TRANSPORT DEFECT. Identifiers: Orphanet 2195, MedGen C1857253, MONDO:0009110, OMIM 222730.

Allele frequency attached by ClinVar (database versions not stated): gnomAD exomes 0.00089; ExAC 0.00105; 1000 Genomes Project 30x 0.00281; 1000 Genomes Project 0.00300; gnomAD 0.00346 and 0.00371; TOPMed 0.00384; ESP Exome Variant Server 0.00438.
gnomAD v4.1: 1,056 of 1,613,578 alleles (0.065%); highest among the groups gnomAD compares: African/African-American, 1.2%; 4 homozygotes.

Submissions (4):

CeGaT Center for Human Genetics Tuebingen
Classification: Likely benign. Last evaluated: 2026-05-01. Review status: criteria provided, single submitter. Criteria: CeGaT Center For Human Genetics Tuebingen Variant Classification Criteria Version 2. Collection method: clinical testing. Allele origin: germline. Affected: yes. Observed: 1 variant allele.
Comment: SLC1A1: BP4, BP7, BS1

Labcorp Genetics (formerly Invitae), Labcorp
Classification: Benign. Last evaluated: 2018-09-26. Review status: criteria provided, single submitter. Criteria: Invitae Variant Classification Sherloc (09022015). Collection method: clinical testing. Allele origin: germline.

Illumina Laboratory Services, Illumina
Classification: Benign for Dicarboxylic aminoaciduria. Last evaluated: 2018-01-13. Review status: criteria provided, single submitter. Criteria: ICSL Variant Classification Criteria 13 December 2019. Collection method: clinical testing. Allele origin: germline.
Comment: This variant was observed in the ICSL laboratory as part of a predisposition screen in an ostensibly healthy population. It had not been previously curated by ICSL or reported in the Human Gene Mutation Database (HGMD: prior to June 1st, 2018), and was therefore a candidate for classification through an automated scoring system. Utilizing variant allele frequency, disease prevalence and penetrance estimates, and inheritance mode, an automated score was calculated to assess if this variant is too frequent to cause the disease. Based on the score and internal cut-off values, a variant classified as benign is not then subjected to further curation. The score for this variant resulted in a classification of benign for this disease.

Breakthrough Genomics
Classification: Benign. Review status: criteria provided, single submitter. Criteria: ACMG Guidelines, 2015. Collection method: not provided. Allele origin: germline. Inheritance: Autosomal recessive inheritance. Affected: yes.